The following is an entry in ClinVar:

NM_001197104.2(KMT2A):c.4782G>A (p.Trp1594Ter)

Gene: KMT2A (lysine methyltransferase 2A; plus strand). Cytogenetic location: 11q23.3.
Variant type: single nucleotide variant.
Coding change: c.4782G>A on transcript NM_001197104.2 (MANE Select); coding-DNA position 4782, G replaced by A.
Protein change: p.Trp1594Ter; replaces tryptophan 1594 with a stop codon.
Molecular consequence: nonsense.
Genome position (GRCh38, 1-based): chr11:118,491,281, G>A. VCF-style: chr11-118491281-G-A. GRCh37 (hg19) VCF-style: chr11-118361996-G-A.
Other names: c.4881G>A, p.Trp1627Ter (NM_001412597.1); c.4782G>A, p.Trp1594Ter (NM_005933.4); short protein forms W1594*, W1627*.
Identifiers: ClinVar variation 5001621 (VCV005001621.1).

ClinVar aggregate classification (germline): Likely pathogenic (1 of 4 stars; one submission).

Conditions:
KMT2A-related disorder. Also called: KMT2A-related condition.

Submission:

PreventionGenetics, part of Exact Sciences
Classification: Likely pathogenic for KMT2A-related condition. Last evaluated: 2024-12-12. Review status: criteria provided, single submitter. Criteria: ACMG Guidelines, 2015. Collection method: clinical testing. Allele origin: germline.
Comment: The KMT2A c.4782G>A variant is predicted to result in premature protein termination (p.Trp1594*). To our knowledge, this variant has not been reported in the literature or in a large population database (gnomAD), indicating this variant is rare. Nonsense variants in KMT2A are expected to be pathogenic. This variant is interpreted as likely pathogenic.